The following is an entry in ClinVar:

ClinVar aggregate classification (germline): Uncertain significance (1 of 4 stars; one submission).

Conditions:
Granulomatous disease, chronic, X-linked. Also called: CYTOCHROME b-NEGATIVE GRANULOMATOUS DISEASE, CHRONIC, X-LINKED; GRANULOMATOUS DISEASE, CHRONIC, X-LINKED, SOMATIC MOSAIC. Identifiers: Orphanet 379, MedGen C1844376, MONDO:0010600, OMIM 306400.

Submission:

Labcorp Genetics (formerly Invitae), Labcorp
Classification: Uncertain significance for Granulomatous disease, chronic, X-linked. Last evaluated: 2024-02-22. Review status: criteria provided, single submitter. Criteria: Invitae Variant Classification Sherloc (09022015). Collection method: clinical testing. Allele origin: germline.
Comment: This sequence change replaces histidine, which is basic and polar, with leucine, which is neutral and non-polar, at codon 527 of the CYBB protein (p.His527Leu). This variant is not present in population databases (gnomAD no frequency). This variant has not been reported in the literature in individuals affected with CYBB-related conditions. Advanced modeling of protein sequence and biophysical properties (such as structural, functional, and spatial information, amino acid conservation, physicochemical variation, residue mobility, and thermodynamic stability) performed at Invitae indicates that this missense variant is expected to disrupt CYBB protein function with a positive predictive value of 80%. In summary, the available evidence is currently insufficient to determine the role of this variant in disease. Therefore, it has been classified as a Variant of Uncertain Significance.

NM_000397.4(CYBB):c.1580A>T (p.His527Leu)

Gene: CYBB (cytochrome b-245 beta chain; plus strand). Cytogenetic location: Xp11.4.
Variant type: single nucleotide variant.
Coding change: c.1580A>T on transcript NM_000397.4 (MANE Select); coding-DNA position 1580, A replaced by T.
Protein change: p.His527Leu; replaces histidine 527 with leucine.
Molecular consequence: missense variant.
Genome position (GRCh38, 1-based): chrX:37,809,685, A>T. VCF-style: chrX-37809685-A-T. GRCh37 (hg19) VCF-style: chrX-37668938-A-T.
Other names: short protein forms H527L.
Identifiers: ClinVar variation 3642645 (VCV003642645.2).